The following is an entry in ClinVar:

NM_004656.4(BAP1):c.2160C>G (p.Arg720=)

Gene: BAP1 (BRCA1 associated deubiquitinase 1; minus strand). Cytogenetic location: 3p21.1.
Variant type: single nucleotide variant.
Coding change: c.2160C>G on transcript NM_004656.4 (MANE Select); coding-DNA position 2160, C replaced by G.
Protein change: p.Arg720=; no amino-acid change (arginine 720 retained).
Molecular consequence: synonymous variant.
Genome position (GRCh38, 1-based): chr3:52,402,318, G>C on the plus strand (C>G on the coding strand, the complement: BAP1 is on the minus strand). VCF-style: chr3-52402318-G-C. GRCh37 (hg19) VCF-style: chr3-52436334-G-C.
Other names: c.2106C>G, p.Arg702= (NM_001410772.1).
Identifiers: ClinVar variation 1786899 (VCV001786899.3), dbSNP rs1704981881, ClinGen allele CA433885823.

ClinVar aggregate classification (germline): Benign/Likely benign. Review status: criteria provided, multiple submitters, no conflicts (2 of 4 stars). 2 submissions from 2 submitters: Benign (1); Likely benign (1). Last evaluated 2024-07-18.

Conditions:
Hereditary cancer-predisposing syndrome. Also called: Neoplastic Syndromes, Hereditary; Tumor predisposition; Hereditary Cancer Syndrome; Hereditary neoplastic syndrome. Identifiers: Orphanet 140162, MedGen C0027672, MeSH D009386, MONDO:0015356.
BAP1-related tumor predisposition syndrome (TPDS1). Also called: COMMON Syndrome; TUMOR PREDISPOSITION SYNDROME 1; BAP1 tumor predisposition syndrome; Tumor susceptibility linked to germline BAP1 mutations. Identifiers: Orphanet 289539, MedGen C3280492, MONDO:0013692, OMIM 614327.

Submissions (2):

Myriad Genetics, Inc.
Classification: Benign for BAP1-related tumor predisposition syndrome. Last evaluated: 2024-07-18. Review status: criteria provided, single submitter. Criteria: Myriad Autosomal Dominant, Autosomal Recessive and X-Linked Classification Criteria (2023). Collection method: clinical testing. Allele origin: unknown.
Comment: This variant is considered benign. This variant is a silent/synonymous amino acid change and it is not expected to impact splicing.

Ambry Genetics
Classification: Likely benign for Hereditary cancer-predisposing syndrome. Last evaluated: 2022-06-04. Review status: criteria provided, single submitter. Criteria: Ambry Variant Classification Scheme 2023. Collection method: clinical testing. Allele origin: germline.